The following is an entry in ClinVar:

ClinVar aggregate classification (germline): Uncertain significance (1 of 4 stars; one submission).

Submission:

Labcorp Genetics (formerly Invitae), Labcorp
Classification: Uncertain significance. Last evaluated: 2021-03-25. Review status: criteria provided, single submitter. Criteria: Invitae Variant Classification Sherloc (09022015). Collection method: clinical testing. Allele origin: germline.
Comment: This sequence change replaces proline with leucine at codon 2193 of the POLE protein (p.Pro2193Leu). The proline residue is weakly conserved and there is a moderate physicochemical difference between proline and leucine. This variant is not present in population databases (ExAC no frequency). This variant has not been reported in the literature in individuals with POLE-related conditions. Algorithms developed to predict the effect of missense changes on protein structure and function (SIFT, PolyPhen-2, Align-GVGD) all suggest that this variant is likely to be tolerated, but these predictions have not been confirmed by published functional studies and their clinical significance is uncertain. In summary, the available evidence is currently insufficient to determine the role of this variant in disease. Therefore, it has been classified as a Variant of Uncertain Significance.

NM_006231.4(POLE):c.6578C>T (p.Pro2193Leu)

Gene: POLE (DNA polymerase epsilon, catalytic subunit; minus strand). Cytogenetic location: 12q24.33.
Variant type: single nucleotide variant.
Coding change: c.6578C>T on transcript NM_006231.4 (MANE Select); coding-DNA position 6578, C replaced by T.
Protein change: p.Pro2193Leu; replaces proline 2193 with leucine.
Molecular consequence: missense variant.
Genome position (GRCh38, 1-based): chr12:132,625,724, G>A on the plus strand (C>T on the coding strand, the complement: POLE is on the minus strand). VCF-style: chr12-132625724-G-A. GRCh37 (hg19) VCF-style: chr12-133202310-G-A.
Other names: short protein forms P2193L.
Identifiers: ClinVar variation 1438568 (VCV001438568.8), dbSNP rs2138428145, ClinGen allele CA387366746.
Genomic context (GRCh38, chr12:132,625,724, plus strand): 5'-GCCATCAGCTTCTTCTGTAGAACTTCCACCAGCGTCATCTCGATGGCAGAGGAGTCGTAG[G>A]GCGCCTGACAGTTGGAGCAGAGCCACTGAGGCAGGACCGCCCCATCCTAGGCAGAGCAAG-3'
Protein context (NP_006222.2, residues 2183-2203): PQWLCSNCQA[Pro2193Leu]YDSSAIEMTL